The following is an entry in ClinVar:

ClinVar aggregate classification (germline): Likely benign. Review status: criteria provided, multiple submitters, no conflicts (2 of 4 stars). 8 submissions from 6 submitters: Likely benign (6). 2 of the submissions do not count toward it. Last evaluated 2023-12-01.

Conditions:
Dilated cardiomyopathy 1D. Identifiers: Orphanet 154, Orphanet 54260, MedGen C1832243, MONDO:0011095, OMIM 601494.
Cardiomyopathy, familial restrictive, 3. Identifiers: Orphanet 75249, MedGen C2676271, MONDO:0012900, OMIM 612422.
Hypertrophic cardiomyopathy 2. Also called: TNNT2-Related Familial Hypertrophic Cardiomyopathy. Identifiers: MedGen C1861864, MONDO:0007266, OMIM 115195.
Cardiomyopathy (CMYO). Also called: Cardiomyopathies. Identifiers: Orphanet 167848, MedGen C0878544, MONDO:0004994, HP:0001638. Inheritance: Various modes of inheritance.

Allele frequency attached by ClinVar (database versions not stated): gnomAD exomes below 0.00001; gnomAD 0.00002.
gnomAD v4.1: 5 of 1,613,754 alleles (0.00031%); highest among the groups gnomAD compares: East Asian, 0.0045%; no homozygotes.

Submissions (8):

All of Us Research Program, National Institutes of Health
Classification: Likely benign for Cardiomyopathy. Last evaluated: 2023-12-01. Review status: criteria provided, single submitter. Criteria: ACMG Guidelines, 2015. Collection method: clinical testing. Allele origin: germline. Inheritance: Autosomal dominant inheritance. Observed: 3 variant alleles, 3 heterozygotes.
Comment: This study involves interpretation of variants in research participants for the purpose of population health screening. Participant phenotype was not available at the time of variant classification. Additional details can be found in publication PMID: 35346344, PMCID: PMC8962531

Genome-Nilou Lab
Classification: Likely benign for Dilated cardiomyopathy 1D. Last evaluated: 2023-04-11. Review status: criteria provided, single submitter. Criteria: ACMG Guidelines, 2015. Collection method: clinical testing. Allele origin: germline. Affected: no.

Genome-Nilou Lab
Classification: Likely benign for Cardiomyopathy, familial restrictive, 3. Last evaluated: 2023-04-11. Review status: criteria provided, single submitter. Criteria: ACMG Guidelines, 2015. Collection method: clinical testing. Allele origin: germline. Affected: no.

Genome-Nilou Lab
Classification: Likely benign for Hypertrophic cardiomyopathy 2. Last evaluated: 2023-04-11. Review status: criteria provided, single submitter. Criteria: ACMG Guidelines, 2015. Collection method: clinical testing. Allele origin: germline. Affected: no.

Labcorp Genetics (formerly Invitae), Labcorp
Classification: Likely benign for Cardiomyopathy, familial restrictive, 3; Hypertrophic cardiomyopathy 2; Dilated cardiomyopathy 1D. Last evaluated: 2022-02-05. Review status: criteria provided, single submitter. Criteria: Invitae Variant Classification Sherloc (09022015). Collection method: clinical testing. Allele origin: germline.

Color Diagnostics, LLC DBA Color Health
Classification: Likely benign for Cardiomyopathy. Last evaluated: 2019-05-16. Review status: criteria provided, single submitter. Criteria: ACMG Guidelines, 2015. Collection method: clinical testing. Allele origin: germline.

Clinical Genetics, Academic Medical Center
Classification: Benign. Review status: no assertion criteria provided. Collection method: clinical testing. Allele origin: germline. Affected: yes. Study: VKGL Data-share Consensus. Not counted in ClinVar's aggregate classification.

Genome Diagnostics Laboratory, University Medical Center Utrecht
Classification: Likely benign. Review status: no assertion criteria provided. Collection method: clinical testing. Allele origin: germline. Affected: yes. Study: VKGL Data-share Consensus. Not counted in ClinVar's aggregate classification.

NM_001276345.2(TNNT2):c.282A>G (p.Arg94=)

Gene: TNNT2 (troponin T2, cardiac type; minus strand). Cytogenetic location: 1q32.1.
Variant type: single nucleotide variant.
Coding change: c.282A>G on transcript NM_001276345.2 (MANE Select); coding-DNA position 282, A replaced by G.
Protein change: p.Arg94=; no amino-acid change (arginine 94 retained).
Molecular consequence: synonymous variant.
Genome position (GRCh38, 1-based): chr1:201,365,622, T>C on the plus strand (A>G on the coding strand, the complement: TNNT2 is on the minus strand). VCF-style: chr1-201365622-T-C. GRCh37 (hg19) VCF-style: chr1-201334750-T-C.
Other names: c.282A>G, p.Arg94= (NM_000364.4); c.252A>G, p.Arg84= (NM_001001430.3, NM_001001431.3, NM_001276347.2); c.237A>G, p.Arg79= (NM_001001432.3); c.279A>G, p.Arg93= (NM_001276346.2).
Identifiers: ClinVar variation 918399 (VCV000918399.10), dbSNP rs397516453, ClinGen allele CA422532724.